The following is an entry in ClinVar:

NM_006790.3(MYOT):c.1453C>A (p.Arg485Ser)

Genes: PKD2L2-DT (PKD2L2 divergent transcript; minus strand), MYOT (myotilin; plus strand). Cytogenetic location: 5q31.2.
Variant type: single nucleotide variant.
Coding change: c.1453C>A on transcript NM_006790.3 (MANE Select); coding-DNA position 1453, C replaced by A.
Protein change: p.Arg485Ser; replaces arginine 485 with serine.
Molecular consequence: missense variant.
Genome position (GRCh38, 1-based): chr5:137,887,341, C>A. VCF-style: chr5-137887341-C-A. GRCh37 (hg19) VCF-style: chr5-137223030-C-A.
Other names: c.901C>A, p.Arg301Ser (NM_001135940.2); c.1108C>A, p.Arg370Ser (NM_001300911.2); short protein forms R301S, R370S, R485S.
Identifiers: ClinVar variation 3701227 (VCV003701227.2).

ClinVar aggregate classification (germline): Uncertain significance (1 of 4 stars; one submission).

Conditions:
Myofibrillar myopathy 3 (MFM3). Also called: Autosomal dominant spheroid body myopathy; Muscular dystrophy, proximal, type 1A. Identifiers: Orphanet 266, Orphanet 268129, MedGen C3714934, MONDO:0012215, OMIM 609200.

gnomAD v4.1: 3 of 1,613,832 alleles (0.00019%); highest among the groups gnomAD compares: African/African-American, 0.0013%; no homozygotes.

Submission:

Labcorp Genetics (formerly Invitae), Labcorp
Classification: Uncertain significance for Myofibrillar myopathy 3. Last evaluated: 2024-04-03. Review status: criteria provided, single submitter. Criteria: Invitae Variant Classification Sherloc (09022015). Collection method: clinical testing. Allele origin: germline.
Comment: This sequence change replaces arginine, which is basic and polar, with serine, which is neutral and polar, at codon 485 of the MYOT protein (p.Arg485Ser). This variant is present in population databases (rs140755418, gnomAD 0.0009%). This variant has not been reported in the literature in individuals affected with MYOT-related conditions. An algorithm developed to predict the effect of missense changes on protein structure and function (PolyPhen-2) suggests that this variant is likely to be tolerated. In summary, the available evidence is currently insufficient to determine the role of this variant in disease. Therefore, it has been classified as a Variant of Uncertain Significance.